The following is an entry in ClinVar:

ClinVar aggregate classification (germline): Likely pathogenic (1 of 4 stars; one submission).

Conditions:
Exostoses, multiple, type 1 (EXT1). Also called: EXOSTOSES, MULTIPLE, TYPE I; Hereditary Multiple Osteochondromatosis, Type I. Identifiers: MedGen CN263289, MONDO:0007585, OMIM 133700.

Submission:

Institute of Human Genetics, University of Leipzig Medical Center
Classification: Likely pathogenic for Exostoses, multiple, type 1. Last evaluated: 2023-03-13. Review status: criteria provided, single submitter. Criteria: ACMG Guidelines, 2015. Collection method: clinical testing. Allele origin: unknown. Affected: yes.
Comment: _x000D_ Criteria applied: PVS1, PM2_SUP

NM_000127.3(EXT1):c.398del (p.Asn133fs)

Gene: EXT1 (exostosin glycosyltransferase 1; minus strand). Cytogenetic location: 8q24.11.
Variant type: Deletion.
Coding change: c.398del on transcript NM_000127.3 (MANE Select); coding-DNA position 398, one base deleted (A; older notation c.398delA).
Protein change: p.Asn133fs; shifts the reading frame from asparagine 133.
Molecular consequence: frameshift variant.
Genome position (GRCh38, 1-based): chr8:118,110,649, T deleted on the plus strand (A on the coding strand, the reverse complement: EXT1 is on the minus strand); the first of 4 consecutive T bases (chr8:118,110,649-118,110,652); deleting any one gives the same sequence. VCF-style (leftmost placement, unchanged base first): chr8-118110648-GT-G. GRCh37 (hg19) VCF-style: chr8-119122887-GT-G.
Other names: short protein forms N133fs.
Identifiers: ClinVar variation 2500297 (VCV002500297.1), dbSNP rs2488052150, ClinGen allele CA2580078560.